The following is an entry in ClinVar:

NM_000642.3(AGL):c.2001+1G>T

Gene: AGL (amylo-alpha-1,6-glucosidase and 4-alpha-glucanotransferase; plus strand). Cytogenetic location: 1p21.2.
Variant type: single nucleotide variant.
Coding change: c.2001+1G>T on transcript NM_000642.3 (MANE Select); the canonical splice donor site of the intron after coding-DNA position 2001, G replaced by T.
Molecular consequence: splice donor variant.
Genome position (GRCh38, 1-based): chr1:99,881,178, G>T. VCF-style: chr1-99881178-G-T. GRCh37 (hg19) VCF-style: chr1-100346734-G-T.
Other names: c.2001+1G>T (NM_000643.3, NM_000644.3, NM_001425326.1 and 2 more transcripts); c.1953+1G>T (NM_000646.3); c.1800+1G>T (NM_001425327.1); c.1797+1G>T (NM_001425328.1, NM_001425329.1); c.1623+1G>T (NM_001425332.1).
Identifiers: ClinVar variation 2756000 (VCV002756000.3), dbSNP rs2524649123, ClinGen allele CA341318372.

ClinVar aggregate classification (germline): Likely pathogenic (1 of 4 stars; one submission).

Conditions:
Glycogen storage disease type III (GSD3). Also called: FORBES DISEASE; Cori disease. Identifiers: Orphanet 366, MedGen C0017922, MONDO:0009291, OMIM 232400.

Submission:

Labcorp Genetics (formerly Invitae), Labcorp
Classification: Likely pathogenic for Glycogen storage disease type III. Last evaluated: 2023-08-29. Review status: criteria provided, single submitter. Criteria: Invitae Variant Classification Sherloc (09022015). Collection method: clinical testing. Allele origin: germline.
Comment: This sequence change affects a donor splice site in intron 15 of the AGL gene. It is expected to disrupt RNA splicing. Variants that disrupt the donor or acceptor splice site typically lead to a loss of protein function (PMID: 16199547), and loss-of-function variants in AGL are known to be pathogenic (PMID: 19299494). This variant is not present in population databases (gnomAD no frequency). This variant has not been reported in the literature in individuals affected with AGL-related conditions. Algorithms developed to predict the effect of sequence changes on RNA splicing suggest that this variant may disrupt the consensus splice site. In summary, the currently available evidence indicates that the variant is pathogenic, but additional data are needed to prove that conclusively. Therefore, this variant has been classified as Likely Pathogenic.

Literature cited by the submitters: PubMed 16199547; PubMed 19299494.